The following is an entry in ClinVar:

NM_016341.4(PLCE1):c.-287G>A

Gene: PLCE1 (phospholipase C epsilon 1; plus strand). Cytogenetic location: 10q23.33.
Variant type: single nucleotide variant.
Coding change: c.-287G>A on transcript NM_016341.4 (MANE Select); 287 bases upstream of the start codon, G replaced by A.
Molecular consequence: 5 prime UTR variant.
Genome position (GRCh38, 1-based): chr10:94,030,760, G>A. VCF-style: chr10-94030760-G-A. GRCh37 (hg19) VCF-style: chr10-95790517-G-A.
Other names: NC_000010.10:g.95790517G>A; c.-287G>A (NM_001288989.2).
Identifiers: ClinVar variation 301672 (VCV000301672.7), dbSNP rs17506379, ClinGen allele CA10636937.

ClinVar aggregate classification (germline): Likely benign. Review status: criteria provided, multiple submitters, no conflicts (2 of 4 stars). 2 submissions from 2 submitters: Likely benign (2). Last evaluated 2018-01-13.

Conditions:
Nephrotic syndrome, type 3 (NPHS3). Also called: NEPHROTIC SYNDROME, EARLY-ONSET, TYPE 3. Identifiers: Orphanet 656, MedGen C1853124, MONDO:0012546, OMIM 610725.

Allele frequency attached by ClinVar (database versions not stated): gnomAD 0.00403 and 0.00415; TOPMed 0.00405; 1000 Genomes Project 0.00140; 1000 Genomes Project 30x 0.00219.
gnomAD v4.1: 1,991 of 428,654 alleles (0.46%); highest among the groups gnomAD compares: Non-Finnish European, 0.7%; 4 homozygotes.

Submissions (3):

Illumina Laboratory Services, Illumina
Classification: Likely benign for Nephrotic syndrome, type 3. Last evaluated: 2018-01-13. Review status: criteria provided, single submitter. Criteria: ICSL Variant Classification Criteria 13 December 2019. Collection method: clinical testing. Allele origin: germline.
Comment: This variant was observed in the ICSL laboratory as part of a predisposition screen in an ostensibly healthy population. It had not been previously curated by ICSL or reported in the Human Gene Mutation Database (HGMD: prior to June 1st, 2018), and was therefore a candidate for classification through an automated scoring system. Utilizing variant allele frequency, disease prevalence and penetrance estimates, and inheritance mode, an automated score was calculated to assess if this variant is too frequent to cause the disease. Based on the score and internal cut-off values, a variant classified as likely benign is not then subjected to further curation. The score for this variant resulted in a classification of likely benign for this disease.

Breakthrough Genomics
Classification: Likely benign. Review status: criteria provided, single submitter. Criteria: ACMG Guidelines, 2015. Collection method: not provided. Allele origin: germline. Inheritance: Autosomal recessive inheritance. Affected: yes.

Dr. Peter K. Rogan Lab, Western University
No classification provided (evidence only). Condition: Cholangiocarcinoma. Review status: no classification provided. Collection method: in vitro. Allele origin: not applicable. Functional consequence: retained intron. Not counted in ClinVar's aggregate classification.